The following is an entry in ClinVar:

NC_000011.10:g.1999050G>A

Genes: H19 (H19 imprinted maternally expressed transcript; minus strand), H19-ICR (H19/IGF2 imprinting control region; plus strand), MRPL23 (mitochondrial ribosomal protein L23; plus strand). Cytogenetic location: 11p15.5.
Variant type: single nucleotide variant.
Molecular consequence: intron variant (on NM_001400176.1).
Genome position: GRCh38 VCF-style: chr11-1999050-G-A. GRCh37 (hg19) VCF-style: chr11-2020280-G-A.
Other names: c.498-12491G>A (NM_001400176.1).
Identifiers: ClinVar variation 3356243 (VCV003356243.1).
Genomic context (GRCh38, chr11:1,999,050, plus strand): 5'-TGCTAAAAGTGGAGTCCAGCCTTGGGTCACCTTCAGACTGTGATGTGAGTCACCACTGCC[G>A]CCTCTCGGCCATTTCCGTCTCCACAGCCACAACCGATTCTGTGCCATCGCTGGGAGATGG-3'

ClinVar aggregate classification (germline): Likely benign (0 of 4 stars; one submission).

Conditions:
H19-related disorder. Also called: H19-related condition.

Submission:

PreventionGenetics, part of Exact Sciences
Classification: Likely benign for H19-related condition. Last evaluated: 2024-07-01. Review status: no assertion criteria provided. Collection method: clinical testing. Allele origin: germline.
Comment: This variant is classified as likely benign based on ACMG/AMP sequence variant interpretation guidelines (Richards et al. 2015 PMID: 25741868, with internal and published modifications).